The following is an entry in ClinVar:

ClinVar aggregate classification (germline): Likely benign (1 of 4 stars; one submission).

Allele frequency attached by ClinVar (database versions not stated): 1000 Genomes Project 0.00020; 1000 Genomes Project 30x 0.00062; TOPMed 0.00104; ESP Exome Variant Server 0.00117; gnomAD 0.00140; ExAC 0.00149.
gnomAD v4.1: 2,601 of 1,610,760 alleles (0.16%); highest among the groups gnomAD compares: Non-Finnish European, 0.2%; 5 homozygotes.

Submission:

CeGaT Center for Human Genetics Tuebingen
Classification: Likely benign. Last evaluated: 2023-03-01. Review status: criteria provided, single submitter. Criteria: CeGaT Center For Human Genetics Tuebingen Variant Classification Criteria Version 2. Collection method: clinical testing. Allele origin: germline. Affected: yes. Observed: 2 variant alleles.
Comment: DLGAP2: BP4, BP7

NM_001346810.2(DLGAP2):c.1413C>T (p.Ile471=)

Genes: DLGAP2 (DLG associated protein 2; plus strand), DLGAP2-AS1 (DLGAP2 antisense RNA 1; minus strand). Cytogenetic location: 8p23.3.
Variant type: single nucleotide variant.
Coding change: c.1413C>T on transcript NM_001346810.2 (MANE Select); coding-DNA position 1413, C replaced by T.
Protein change: p.Ile471=; no amino-acid change (isoleucine 471 retained).
Molecular consequence: synonymous variant.
Genome position (GRCh38, 1-based): chr8:1,565,865, C>T. VCF-style: chr8-1565865-C-T. GRCh37 (hg19) VCF-style: chr8-1514031-C-T.
Identifiers: ClinVar variation 2658292 (VCV002658292.24), dbSNP rs201868215, ClinGen allele CA4598441.